The following is an entry in ClinVar:

NM_002300.8(LDHB):c.713+15A>G

Gene: LDHB (lactate dehydrogenase B; minus strand). Cytogenetic location: 12p12.1.
Variant type: single nucleotide variant.
Coding change: c.713+15A>G on transcript NM_002300.8 (MANE Select); 15 bases into the intron after coding-DNA position 713, A replaced by G.
Molecular consequence: intron variant.
Genome position (GRCh38, 1-based): chr12:21,638,338, T>C on the plus strand (A>G on the coding strand, the complement: LDHB is on the minus strand). VCF-style: chr12-21638338-T-C. GRCh37 (hg19) VCF-style: chr12-21791272-T-C.
Other names: c.713+15A>G (NM_001315537.2, NM_001174097.3).
Identifiers: ClinVar variation 308019 (VCV000308019.6), dbSNP rs1650289, ClinGen allele CA6480394.

ClinVar aggregate classification (germline): Benign. Review status: criteria provided, multiple submitters, no conflicts (2 of 4 stars). 2 submissions from 2 submitters: Benign (2). Last evaluated 2018-01-13.

Conditions:
Glycogen storage disease due to lactate dehydrogenase H-subunit deficiency. Identifiers: Orphanet 284435, MedGen C3279904, MONDO:0013587, OMIM 614128.

Allele frequency attached by ClinVar (database versions not stated): 1000 Genomes Project 30x 0.92755; 1000 Genomes Project 0.93251; ESP Exome Variant Server 0.93541; TOPMed 0.93851; gnomAD 0.94113 and 0.94470; ExAC 0.98053; gnomAD exomes 0.98332 and 0.99292.
gnomAD v4.1: 1,281,751 of 1,298,656 alleles (99%); highest among the groups gnomAD compares: East Asian, 100%; 633,733 homozygotes.

Submissions (2):

Illumina Laboratory Services, Illumina
Classification: Benign for Glycogen storage disease due to lactate dehydrogenase H-subunit deficiency. Last evaluated: 2018-01-13. Review status: criteria provided, single submitter. Criteria: ICSL Variant Classification Criteria 13 December 2019. Collection method: clinical testing. Allele origin: germline.
Comment: This variant was observed in the ICSL laboratory as part of a predisposition screen in an ostensibly healthy population. It had not been previously curated by ICSL or reported in the Human Gene Mutation Database (HGMD: prior to June 1st, 2018), and was therefore a candidate for classification through an automated scoring system. Utilizing variant allele frequency, disease prevalence and penetrance estimates, and inheritance mode, an automated score was calculated to assess if this variant is too frequent to cause the disease. Based on the score and internal cut-off values, a variant classified as benign is not then subjected to further curation. The score for this variant resulted in a classification of benign for this disease.

Breakthrough Genomics
Classification: Benign. Review status: criteria provided, single submitter. Criteria: ACMG Guidelines, 2015. Collection method: not provided. Allele origin: germline. Inheritance: Unknown mechanism. Affected: yes.